The following is an entry in ClinVar:

ClinVar aggregate classification (germline): Uncertain significance (1 of 4 stars; one submission).

Conditions:
Perlman syndrome (PRLMNS). Identifiers: Orphanet 2849, MedGen C0796113, MONDO:0009965, OMIM 267000.

Allele frequency attached by ClinVar (database versions not stated): gnomAD exomes below 0.00001.

Submission:

Labcorp Genetics (formerly Invitae), Labcorp
Classification: Uncertain significance for Perlman syndrome. Last evaluated: 2022-07-22. Review status: criteria provided, single submitter. Criteria: Invitae Variant Classification Sherloc (09022015). Collection method: clinical testing. Allele origin: germline.
Comment: Algorithms developed to predict the effect of missense changes on protein structure and function (SIFT, PolyPhen-2, Align-GVGD) all suggest that this variant is likely to be tolerated. This variant has not been reported in the literature in individuals affected with DIS3L2-related conditions. ClinVar contains an entry for this variant (Variation ID: 1064017). In summary, the available evidence is currently insufficient to determine the role of this variant in disease. Therefore, it has been classified as a Variant of Uncertain Significance. This sequence change replaces valine, which is neutral and non-polar, with isoleucine, which is neutral and non-polar, at codon 123 of the DIS3L2 protein (p.Val123Ile). This variant is not present in population databases (gnomAD no frequency).

NM_152383.5(DIS3L2):c.367G>A (p.Val123Ile)

Gene: DIS3L2 (DIS3 like 3'-5' exoribonuclease 2; plus strand). Cytogenetic location: 2q37.1.
Variant type: single nucleotide variant.
Coding change: c.367G>A on transcript NM_152383.5 (MANE Select); coding-DNA position 367, G replaced by A.
Protein change: p.Val123Ile; replaces valine 123 with isoleucine.
Molecular consequence: missense variant. On other transcripts: non-coding transcript variant (2).
Genome position (GRCh38, 1-based): chr2:232,087,487, G>A. VCF-style: chr2-232087487-G-A. GRCh37 (hg19) VCF-style: chr2-232952197-G-A.
Other names: c.367G>A, p.Val123Ile (NM_001257281.2, NM_001257282.2); short protein forms V123I.
Identifiers: ClinVar variation 1064017 (VCV001064017.9), dbSNP rs2106309197, ClinGen allele CA351154812.
Genomic context (GRCh38, chr2:232,087,487, plus strand): 5'-TCTGCTCTTTTTTTTTTTTCCTCTCTCAGTGATTTAGCAGAATTTTTCTGTTTTCTTTAG[G>A]TAGTTAAACCAGAGAGCAATGACAAAGAAACAGAAGCTGCGTATGAATCAGATATCCCCG-3'
Protein context (NP_689596.4, residues 113-133): VKLLPEEHWK[Val123Ile]VKPESNDKET